The following is an entry in ClinVar:

NM_001999.4(FBN2):c.1582G>A (p.Asp528Asn)

Gene: FBN2 (fibrillin 2; minus strand). Cytogenetic location: 5q23.3.
Variant type: single nucleotide variant.
Coding change: c.1582G>A on transcript NM_001999.4 (MANE Select); coding-DNA position 1582, G replaced by A.
Protein change: p.Asp528Asn; replaces aspartic acid 528 with asparagine.
Molecular consequence: missense variant.
Genome position (GRCh38, 1-based): chr5:128,392,039, C>T on the plus strand (G>A on the coding strand, the complement: FBN2 is on the minus strand). VCF-style: chr5-128392039-C-T. GRCh37 (hg19) VCF-style: chr5-127727732-C-T.
Other names: short protein forms D528N.
Identifiers: ClinVar variation 4871257 (VCV004871257.1).

ClinVar aggregate classification (germline): Uncertain significance (1 of 4 stars; one submission).

Conditions:
Familial thoracic aortic aneurysm and aortic dissection (TAAD). Also called: Thoracic aortic aneurysms and dissections. Identifiers: Orphanet 91387, MedGen C4707243, MONDO:0019625.

gnomAD v4.1: 2 of 1,613,848 alleles (0.00012%); highest among the groups gnomAD compares: Non-Finnish European, 0.000085%; no homozygotes.

Submission:

Ambry Genetics
Classification: Uncertain significance for Familial thoracic aortic aneurysm and aortic dissection. Last evaluated: 2026-04-30. Review status: criteria provided, single submitter. Criteria: Ambry Variant Classification Scheme 2023. Collection method: clinical testing. Allele origin: germline.
Comment: The p.D528N variant (also known as c.1582G>A), located in coding exon 11 of the FBN2 gene, results from a G to A substitution at nucleotide position 1582. The aspartic acid at codon 528 is replaced by asparagine, an amino acid with highly similar properties. This amino acid position is conserved. In addition, the in silico prediction for this alteration is inconclusive. Based on the available evidence, the clinical significance of this variant remains unclear.